The following is an entry in ClinVar:

ClinVar aggregate classification (germline): Uncertain significance. Review status: criteria provided, multiple submitters, no conflicts (2 of 4 stars). 2 submissions from 2 submitters: Uncertain significance (2). Last evaluated 2026-02-09.

Conditions:
Hereditary cancer-predisposing syndrome. Also called: Neoplastic Syndromes, Hereditary; Hereditary neoplastic syndrome; Tumor predisposition; Hereditary Cancer Syndrome. Identifiers: Orphanet 140162, MedGen C0027672, MeSH D009386, MONDO:0015356.
Ataxia-telangiectasia syndrome (AT). Also called: Ataxia telangiectasia (A-T); Cerebello-oculocutaneous telangiectasia; Immunodeficiency with ataxia telangiectasia; LOUIS-BAR SYNDROME; AT, COMPLEMENTATION GROUP C; ATAXIA-TELANGIECTASIA, FRESNO VARIANT. Identifiers: Orphanet 100, MedGen C0004135, MONDO:0008840, OMIM 208900.

Submissions (2):

Ambry Genetics
Classification: Uncertain significance for Hereditary cancer-predisposing syndrome. Last evaluated: 2026-02-09. Review status: criteria provided, single submitter. Criteria: Ambry Variant Classification Scheme 2023. Collection method: clinical testing. Allele origin: germline.
Comment: The c.7928-2A>T intronic variant results from an A to T substitution two nucleotides upstream from coding exon 53 in the ATM gene. This nucleotide position is highly conserved in available vertebrate species. In silico splice site analysis predicts that this alteration will weaken the native splice acceptor site. RNA studies have demonstrated that this alteration results in a transcript predicted to lead to a protein with an in-frame deletion of one amino acid; however, the exact functional impact of the deleted amino acid is unknown at this time (Ambry internal data). Since supporting evidence is conflicting at this time, the clinical significance of this alteration remains unclear.

Labcorp Genetics (formerly Invitae), Labcorp
Classification: Uncertain significance for Ataxia-telangiectasia syndrome. Last evaluated: 2025-07-09. Review status: criteria provided, single submitter. Criteria: Invitae Variant Classification Sherloc (09022015). Collection method: clinical testing. Allele origin: germline.
Comment: This sequence change affects an acceptor splice site in intron 53 of the ATM gene. RNA analysis indicates that disruption of this splice site induces altered splicing and likely results in the loss of 2 and insertion of 1 amino acid residue(s), but is expected to preserve the integrity of the reading-frame. This variant is not present in population databases (gnomAD no frequency). This variant has not been reported in the literature in individuals affected with ATM-related conditions. ClinVar contains an entry for this variant (Variation ID: 220626). Studies have shown that disruption of this splice site results in the activation of a cryptic splice site in exon 54 (internal data). In summary, the available evidence is currently insufficient to determine the role of this variant in disease. Therefore, it has been classified as a Variant of Uncertain Significance.

NM_000051.4(ATM):c.7928-2A>T

Genes: ATM (ATM serine/threonine kinase; plus strand), C11orf65 (chromosome 11 open reading frame 65; minus strand). Cytogenetic location: 11q22.3.
Variant type: single nucleotide variant.
Coding change: c.7928-2A>T on transcript NM_000051.4 (MANE Select); the canonical splice acceptor site of the intron before coding-DNA position 7928, A replaced by T.
Molecular consequence: splice acceptor variant. On other transcripts: intron variant (2).
Genome position (GRCh38, 1-based): chr11:108,333,884, A>T. VCF-style: chr11-108333884-A-T. GRCh37 (hg19) VCF-style: chr11-108204611-A-T.
Other names: c.7928-2A>T (NM_001351834.2); c.641-24813T>A (NM_001330368.2); c.*38+1336T>A (NM_001351110.2).
Identifiers: ClinVar variation 220626 (VCV000220626.13), dbSNP rs864622610, ClinGen allele CA349800.
Genomic context (GRCh38, chr11:108,333,884, plus strand): 5'-CTGCTTGACCTTCAATGCTGTTCCTCAGTTTGTCACTAAAATCTCTTCATTTTTAAATAC[A>T]GAAGGCATAAATATTCCAGCAGACCAGCCAATTACTAAACTTAAGAATTTAGAAGATGTT-3'